The following is an entry in ClinVar:

ClinVar aggregate classification (germline): Pathogenic/Likely pathogenic. Review status: criteria provided, multiple submitters, no conflicts (2 of 4 stars). 3 submissions from 3 submitters: Pathogenic (1); Likely pathogenic (2). Last evaluated 2024-10-07.

Conditions:
Dilated cardiomyopathy 1G (CMD1G). Identifiers: Orphanet 154, MedGen C1858763, MONDO:0011400, OMIM 604145.
Autosomal recessive limb-girdle muscular dystrophy type 2J (LGMDR10). Also called: Limb-girdle muscular dystrophy, type 2J; MUSCULAR DYSTROPHY, LIMB-GIRDLE, AUTOSOMAL RECESSIVE 10. Identifiers: Orphanet 140922, MedGen C1837342, MONDO:0012127, OMIM 608807.
Cardiovascular phenotype. Identifiers: MedGen CN230736.

Submissions (3):

Ambry Genetics
Classification: Likely pathogenic for Cardiovascular phenotype. Last evaluated: 2024-10-07. Review status: criteria provided, single submitter. Criteria: Ambry Variant Classification Scheme 2023. Collection method: clinical testing. Allele origin: germline.
Comment: The c.36309delA variant, located in coding exon 132 of the TTN gene, results from a deletion of one nucleotide at nucleotide position 36309, causing a translational frameshift with a predicted alternate stop codon (p.L12104*). This exon is located in the A-band region of the N2-B isoform of the titin protein and is constitutively expressed in TTN transcripts (percent spliced in or PSI 100%). This variant is considered to be rare based on population cohorts in the Genome Aggregation Database (gnomAD). This alteration is expected to result in loss of function by premature protein truncation or nonsense-mediated mRNA decay. While truncating variants in TTN are present in 1-3% of the general population, truncating variants in the A-band are the most common cause of dilated cardiomyopathy (DCM) (Herman DS et al. N. Engl. J. Med., 2012 Feb;366:619-28; Roberts AM et al. Sci Transl Med, 2015 Jan;7:270ra6). TTN truncating variants encoded in constitutive exons (PSI >90%) have been found to be significantly associated with DCM regardless of their position in titin (Schafer S et al. Nat. Genet., 2017 01;49:46-53). Based on the majority of available evidence to date, this variant is likely to be pathogenic.

Labcorp Genetics (formerly Invitae), Labcorp
Classification: Likely pathogenic for Dilated cardiomyopathy 1G; Autosomal recessive limb-girdle muscular dystrophy type 2J. Last evaluated: 2023-03-27. Review status: criteria provided, single submitter. Criteria: Invitae Variant Classification Sherloc (09022015). Collection method: clinical testing. Allele origin: germline.
Comment: In summary, the currently available evidence indicates that the variant is pathogenic, but additional data are needed to prove that conclusively. Therefore, this variant has been classified as Likely Pathogenic. This variant is located in the A band of TTN (PMID: 25589632). Truncating variants in this region are significantly overrepresented in patients affected with dilated cardiomyopathy (PMID: 25589632). Truncating variants in this region have also been reported in individuals affected with autosomal recessive centronuclear myopathy (PMID: 23975875). ClinVar contains an entry for this variant (Variation ID: 1214716). This variant has not been reported in the literature in individuals affected with TTN-related conditions. This variant is not present in population databases (gnomAD no frequency). This sequence change creates a premature translational stop signal (p.Leu21169*) in the TTN gene. While this is not anticipated to result in nonsense mediated decay, it is expected to create a truncated TTN protein.

GeneDx
Classification: Pathogenic. Last evaluated: 2020-02-10. Review status: criteria provided, single submitter. Criteria: GeneDx Variant Classification Process June 2021. Collection method: clinical testing. Allele origin: germline. Affected: yes.
Comment: Has not been previously published as pathogenic or benign to our knowledge; Not observed in large population cohorts (Lek et al., 2016); Nonsense variant predicted to result in protein truncation or nonsense mediated decay in a gene for which loss-of-function is a known mechanism of disease; Located in the A-band region of titin, where the majority of truncating pathogenic variants associated with DCM have been reported (Herman et al., 2012)

Literature cited by the submitters: PubMed 25589632 (cited by Labcorp Genetics (formerly Invitae), Labcorp); PubMed 23975875 (cited by Labcorp Genetics (formerly Invitae), Labcorp).

NM_001267550.2(TTN):c.63504del (p.Ile21168_Leu21169insTer)

Genes: TTN (titin; minus strand), TTN-AS1 (TTN antisense RNA 1; plus strand). Cytogenetic location: 2q31.2.
Variant type: Deletion.
Coding change: c.63504del on transcript NM_001267550.2 (MANE Select); coding-DNA position 63504, one base deleted (A; older notation c.63504delA).
Protein change: p.Ile21168_Leu21169insTer.
Molecular consequence: frameshift variant.
Genome position (GRCh38, 1-based): chr2:178,587,903, T deleted on the plus strand (A on the coding strand, the reverse complement: TTN is on the minus strand). VCF-style (leftmost placement, unchanged base first): chr2-178587902-GT-G. GRCh37 (hg19) VCF-style: chr2-179452629-GT-G.
Other names: c.36309delA (NM_003319.4); c.58581del, p.Ile19527_Leu19528insTer (NM_001256850.1); c.36309del, p.Ile12103_Leu12104insTer (NM_003319.4); c.55800del, p.Ile18600_Leu18601insTer (NM_133378.4); c.36684del, p.Ile12228_Leu12229insTer (NM_133432.3); c.36885del, p.Ile12295_Leu12296insTer (NM_133437.4).
Identifiers: ClinVar variation 1214716 (VCV001214716.9), dbSNP rs2154182600, ClinGen allele CA2499215397.